The following is an entry in ClinVar:

ClinVar aggregate classification (germline): Conflicting classifications of pathogenicity. Review status: criteria provided, conflicting classifications (1 of 4 stars). 2 submissions from 2 submitters: Likely pathogenic (1); Uncertain significance (1). Last evaluated 2023-11-21.

Submissions (2):

Labcorp Genetics (formerly Invitae), Labcorp
Classification: Likely pathogenic. Last evaluated: 2023-11-21. Review status: criteria provided, single submitter. Criteria: Invitae Variant Classification Sherloc (09022015). Collection method: clinical testing. Allele origin: germline.
Comment: This sequence change replaces phenylalanine, which is neutral and non-polar, with isoleucine, which is neutral and non-polar, at codon 654 of the PHEX protein (p.Phe654Ile). This variant is not present in population databases (gnomAD no frequency). This missense change has been observed in individual(s) with clinical features of hypophosphatemic rickets and/or PHEX-related conditions (Invitae). ClinVar contains an entry for this variant (Variation ID: 1037395). Advanced modeling of protein sequence and biophysical properties (such as structural, functional, and spatial information, amino acid conservation, physicochemical variation, residue mobility, and thermodynamic stability) performed at Invitae indicates that this missense variant is expected to disrupt PHEX protein function with a positive predictive value of 80%. In summary, the currently available evidence indicates that the variant is pathogenic, but additional data are needed to prove that conclusively. Therefore, this variant has been classified as Likely Pathogenic.

Athena Diagnostics
Classification: Uncertain significance. Last evaluated: 2023-08-14. Review status: criteria provided, single submitter. Criteria: Athena Diagnostics Criteria. Collection method: clinical testing. Allele origin: unknown.
Comment: Available data are insufficient to determine the clinical significance of the variant at this time. This variant has been identified in at least one individual with clinical features associated with this gene. This variant has not been reported in large, multi-ethnic general populations. Computational tools predict that this variant is damaging.

Literature cited by the submitters: PubMed 34806794 (cited by Athena Diagnostics).

NM_000444.6(PHEX):c.1960T>A (p.Phe654Ile)

Genes: PHEX (phosphate regulating endopeptidase X-linked; plus strand), PTCHD1-AS (PTCHD1 and PHEX antisense RNA; minus strand). Cytogenetic location: Xp22.11.
Variant type: single nucleotide variant.
Coding change: c.1960T>A on transcript NM_000444.6 (MANE Select); coding-DNA position 1960, T replaced by A.
Protein change: p.Phe654Ile; replaces phenylalanine 654 with isoleucine.
Molecular consequence: missense variant.
Genome position (GRCh38, 1-based): chrX:22,226,503, T>A. VCF-style: chrX-22226503-T-A. GRCh37 (hg19) VCF-style: chrX-22244620-T-A.
Other names: c.1960T>A, p.Phe654Ile (NM_001282754.2); c.1960T>A (NM_000444.4); short protein forms F654I.
Identifiers: ClinVar variation 1037395 (VCV001037395.9), dbSNP rs1935508894, ClinGen allele CA412574252.